The following is an entry in ClinVar:

NM_006755.2(TALDO1):c.651C>T (p.Val217=)

Genes: TALDO1 (transaldolase 1; plus strand), LOC126861110 (CDK7 strongly-dependent group 2 enhancer GRCh37_chr11:762588-763787; plus strand). Cytogenetic location: 11p15.5.
Variant type: single nucleotide variant.
Coding change: c.651C>T on transcript NM_006755.2 (MANE Select); coding-DNA position 651, C replaced by T.
Protein change: p.Val217=; no amino-acid change (valine 217 retained).
Molecular consequence: synonymous variant.
Genome position (GRCh38, 1-based): chr11:763,760, C>T. VCF-style: chr11-763760-C-T. GRCh37 (hg19) VCF-style: chr11-763760-C-T.
Identifiers: ClinVar variation 3057204 (VCV003057204.2), dbSNP rs2494719452, ClinGen allele CA472334493.
Genomic context (GRCh38, chr11:763,760, plus strand): 5'-GGTACCTCTGCCGAAGCCTTCCTGGTCACAGCTTGGTCTCTTTCCAGGGGTAAAGAGTGT[C>T]ACTAAAATCTACAACTACTACAAGAAGTTTAGCTACAAAACCATTGTCATGGGCGCCTCC-3'
Protein context (NP_006746.1, residues 207-227): EPLEDPGVKS[Val217=]TKIYNYYKKF

ClinVar aggregate classification (germline): Likely benign (0 of 4 stars; one submission).

Conditions:
TALDO1-related disorder. Also called: TALDO1-related condition.

gnomAD v4.1: 4 of 1,614,044 alleles (0.00025%); highest among the groups gnomAD compares: Non-Finnish European, 0.00034%; no homozygotes.

Submission:

PreventionGenetics, part of Exact Sciences
Classification: Likely benign for TALDO1-related condition. Last evaluated: 2021-10-04. Review status: no assertion criteria provided. Collection method: clinical testing. Allele origin: germline.
Comment: This variant is classified as likely benign based on ACMG/AMP sequence variant interpretation guidelines (Richards et al. 2015 PMID: 25741868, with internal and published modifications).